The following is an entry in ClinVar:

GRCh37/hg19 11q24.1-25(chr11:122975824-134938470)x1

Genes: BARX2 (BARX homeobox 2; plus strand), CCDC15 (coiled-coil domain containing 15; plus strand), OR8B3 (olfactory receptor family 8 subfamily B member 3; minus strand), ZNF202 (zinc finger protein 202; minus strand), OR8B4 (olfactory receptor family 8 subfamily B member 4; minus strand) and 91 more. Cytogenetic location: 11q24.1-25.
Variant type: copy number loss.
Change: copy number 1 (one copy instead of two) of chr11:122,975,824-134,938,470 (11.96 Mb, GRCh37 coordinates, 1-based), cytogenetic band 11q24.1-25.
Identifiers: ClinVar variation 1808652 (VCV001808652.1).

ClinVar aggregate classification (germline): Pathogenic (1 of 4 stars; one submission).

Submission:

Quest Diagnostics Nichols Institute San Juan Capistrano
Classification: Pathogenic. Last evaluated: 2022-04-26. Review status: criteria provided, single submitter. Criteria: ACMG/ClinGen CNV Guidelines, 2019. Collection method: clinical testing. Allele origin: unknown.
Comment: This terminal deletion of 11q involves multiple genes and is expected to cause phenotypic and/or developmental abnormalities. It lies within a larger region associated with Jacobsen syndrome (OMIM 147791), a contiguous gene syndrome caused by partial 11q deletions of different sizes, ranging from 5 to 20 Mb. Common features of Jacobsen syndrome include intrauterine and postnatal growth restriction, psychomotor delay, facial dysmorphism, abnormal platelet function, thrombocytopenia, pancytopenia, congenital malformations of the heart, kidney, gastrointestinal tract, genitalia, central nervous system, and skeleton. Less common features include vision, hearing, immune, and endocrine problems. Typically, Jacobsen syndrome is caused by deletion of multiple genes, however, deletion of BSX, NRGN, ETS1, FLI1, and ARHGAP32 have been shown to contribute to the full phenotype, while patients with smaller deletions not including all these genes may exhibit a subset of the clinical phenotypes and can be considered to have a \partial Jacobsen syndrome\" phenotype. The NRGN, ETS1, FLI1, and ARHGAP32 genes are involved in the current terminal deletion. References: Conrad et al. Am J Med Genet A. 2019;179(6):993-1000. PMID: 30888095. Favier et al. Am J Med Genet C Semin Med Genet. 2015;169C(3):239-50. PMID: 26285164. Mattina et al. Orphanet J Rare Dis. 2009;4:9. PMID: 19267933. Tassano et al. J Appl Genet. 2016;57(3):357-62. PMID: 27020790."